The following is an entry in ClinVar:

ClinVar aggregate classification (germline): Uncertain significance (1 of 4 stars; one submission).

Conditions:
Accelerated tumor formation, susceptibility to (ACTFS). Identifiers: MedGen C3280690, OMIM 614401, MONDO:0013733.

Allele frequency attached by ClinVar (database versions not stated): gnomAD exomes 0.00001.

Submission:

Labcorp Genetics (formerly Invitae), Labcorp
Classification: Uncertain significance for Accelerated tumor formation, susceptibility to. Last evaluated: 2022-10-14. Review status: criteria provided, single submitter. Criteria: Invitae Variant Classification Sherloc (09022015). Collection method: clinical testing. Allele origin: germline.
Comment: This sequence change replaces serine, which is neutral and polar, with alanine, which is neutral and non-polar, at codon 296 of the MDM2 protein (p.Ser296Ala). This variant is present in population databases (no rsID available, gnomAD 0.006%). This variant has not been reported in the literature in individuals affected with MDM2-related conditions. ClinVar contains an entry for this variant (Variation ID: 1471228). Algorithms developed to predict the effect of missense changes on protein structure and function are either unavailable or do not agree on the potential impact of this missense change (SIFT: "Tolerated"; PolyPhen-2: "Probably Damaging"; Align-GVGD: "Class C0"). In summary, the available evidence is currently insufficient to determine the role of this variant in disease. Therefore, it has been classified as a Variant of Uncertain Significance.

NM_002392.6(MDM2):c.886T>G (p.Ser296Ala)

Gene: MDM2 (MDM2 proto-oncogene; plus strand). Cytogenetic location: 12q15.
Variant type: single nucleotide variant.
Coding change: c.886T>G on transcript NM_002392.6 (MANE Select); coding-DNA position 886, T replaced by G.
Protein change: p.Ser296Ala; replaces serine 296 with alanine.
Molecular consequence: missense variant. On other transcripts: intron variant (1).
Genome position (GRCh38, 1-based): chr12:68,836,717, T>G. VCF-style: chr12-68836717-T-G. GRCh37 (hg19) VCF-style: chr12-69230497-T-G.
Other names: c.727T>G, p.Ser243Ala (NM_001145337.3); c.721T>G, p.Ser241Ala (NM_001145339.2); c.358T>G, p.Ser120Ala (NM_001278462.2); c.868T>G, p.Ser290Ala (NM_001367990.1); c.312+733T>G (NM_001145340.3); short protein forms S290A, S120A, S241A, S296A, S243A.
Identifiers: ClinVar variation 1471228 (VCV001471228.8), dbSNP rs1286851604, ClinGen allele CA385703752.